The following is an entry in ClinVar:

NM_000059.4(BRCA2):c.1160T>G (p.Val387Gly)

Gene: BRCA2 (BRCA2 DNA repair associated; plus strand). Cytogenetic location: 13q13.1.
Variant type: single nucleotide variant.
Coding change: c.1160T>G on transcript NM_000059.4 (MANE Select); coding-DNA position 1160, T replaced by G.
Protein change: p.Val387Gly; replaces valine 387 with glycine.
Molecular consequence: missense variant.
Genome position (GRCh38, 1-based): chr13:32,332,638, T>G. VCF-style: chr13-32332638-T-G. GRCh37 (hg19) VCF-style: chr13-32906775-T-G.
Other names: short protein forms V387G.
Identifiers: ClinVar variation 925161 (VCV000925161.13), dbSNP rs373945846, ClinGen allele CA247496650.
Genomic context (GRCh38, chr13:32,332,638, plus strand): 5'-ATTCAAATGTAGCAAATCAGAAGCCCTTTGAGAGTGGAAGTGACAAAATCTCCAAGGAAG[T>G]TGTACCGTCTTTGGCCTGTGAATGGTCTCAACTAACCCTTTCAGGTCTAAATGGAGCCCA-3'
Protein context (NP_000050.3, residues 377-397): ESGSDKISKE[Val387Gly]VPSLACEWSQ

ClinVar aggregate classification (germline): Conflicting classifications of pathogenicity. Review status: criteria provided, conflicting classifications (1 of 4 stars). 4 submissions from 4 submitters: Uncertain significance (3); Likely benign (1). Last evaluated 2024-08-20.

Conditions:
Hereditary cancer-predisposing syndrome. Also called: Neoplastic Syndromes, Hereditary; Tumor predisposition; Hereditary Cancer Syndrome; Hereditary neoplastic syndrome. Identifiers: Orphanet 140162, MedGen C0027672, MeSH D009386, MONDO:0015356.
Hereditary breast ovarian cancer syndrome. Also called: Hereditary breast and ovarian cancer syndrome; BRCA1- and BRCA2-Associated Hereditary Breast and Ovarian Cancer; Hereditary breast and ovarian cancer; Hereditary breast and ovarian cancer syndrome (HBOC); Breast and ovarian cancer; Hereditary breast and/or ovarian cancer syndrome. Identifiers: Orphanet 145, MedGen C0677776, MeSH D061325, MONDO:0003582. Disease mechanism: loss of function.

Allele frequency attached by ClinVar (database versions not stated): TOPMed 0.00002; ESP Exome Variant Server 0.00008.
gnomAD v4.1: 2 of 1,614,048 alleles (0.00012%); highest among the groups gnomAD compares: African/African-American, 0.0027%; no homozygotes.

Submissions (4):

Color Diagnostics, LLC DBA Color Health
Classification: Uncertain significance for Hereditary cancer-predisposing syndrome. Last evaluated: 2024-08-20. Review status: criteria provided, single submitter. Criteria: ACMG Guidelines, 2015. Collection method: clinical testing. Allele origin: germline.
Comment: This missense variant replaces valine with glycine at codon 387 of the BRCA2 protein. Computational prediction suggests that this variant may not impact protein structure and function. To our knowledge, functional studies have not been reported for this variant. This variant has not been reported in individuals affected with BRCA2-related disorders in the literature. This variant has been identified in 1/250166 chromosomes in the general population by the Genome Aggregation Database (gnomAD). The available evidence is insufficient to determine the role of this variant in disease conclusively. Therefore, this variant is classified as a Variant of Uncertain Significance.

Ambry Genetics
Classification: Uncertain significance for Hereditary cancer-predisposing syndrome. Last evaluated: 2024-05-09. Review status: criteria provided, single submitter. Criteria: Ambry Variant Classification Scheme 2023. Collection method: clinical testing. Allele origin: germline.
Comment: The p.V387G variant (also known as c.1160T>G), located in coding exon 9 of the BRCA2 gene, results from a T to G substitution at nucleotide position 1160. The valine at codon 387 is replaced by glycine, an amino acid with dissimilar properties. This variant was identified in a cohort of 3,579 African males diagnosed with prostate cancer who underwent multi-gene panel testing of 19 DNA repair and cancer predisposition genes (Matejcic M et al. JCO Precis Oncol, 2020 Jan;4:32-43). This amino acid position is not well conserved in available vertebrate species. In addition, this alteration is predicted to be tolerated by in silico analysis. Based on the available evidence, the clinical significance of this variant remains unclear.

Labcorp Genetics (formerly Invitae), Labcorp
Classification: Uncertain significance for Hereditary breast ovarian cancer syndrome. Last evaluated: 2024-04-30. Review status: criteria provided, single submitter. Criteria: Invitae Variant Classification Sherloc (09022015). Collection method: clinical testing. Allele origin: germline.
Comment: This sequence change replaces valine, which is neutral and non-polar, with glycine, which is neutral and non-polar, at codon 387 of the BRCA2 protein (p.Val387Gly). This variant is present in population databases (rs373945846, gnomAD 0.007%). This variant has not been reported in the literature in individuals affected with BRCA2-related conditions. ClinVar contains an entry for this variant (Variation ID: 925161). Advanced modeling of protein sequence and biophysical properties (such as structural, functional, and spatial information, amino acid conservation, physicochemical variation, residue mobility, and thermodynamic stability) performed at Invitae indicates that this missense variant is not expected to disrupt BRCA2 protein function with a negative predictive value of 95%. In summary, the available evidence is currently insufficient to determine the role of this variant in disease. Therefore, it has been classified as a Variant of Uncertain Significance.

University of Washington Department of Laboratory Medicine, University of Washington
Classification: Likely benign for Hereditary cancer-predisposing syndrome. Last evaluated: 2023-03-23. Review status: criteria provided, single submitter. Criteria: Dines et al. (Genet Med. 2020). Collection method: curation. Allele origin: germline.
Comment: Missense variant in a coldspot region where missense variants are very unlikely to be pathogenic (PMID:31911673).

BRCA2 exon 10 coldspot. Reclassification based on statistical prior probability.

Literature cited by the submitters: PubMed 32832836 (cited by Ambry Genetics).